The following is an entry in ClinVar:

ClinVar aggregate classification (germline): Uncertain significance (1 of 4 stars; one submission).

gnomAD v4.1: 8 of 1,613,904 alleles (0.0005%); highest among the groups gnomAD compares: Non-Finnish European, 0.00068%; no homozygotes.

Submission:

GeneDx
Classification: Uncertain significance. Last evaluated: 2022-01-28. Review status: criteria provided, single submitter. Criteria: GeneDx Variant Classification Process June 2021. Collection method: clinical testing. Allele origin: germline. Affected: yes.
Comment: Not observed at significant frequency in large population cohorts (gnomAD); In silico analysis supports that this missense variant has a deleterious effect on protein structure/function; Has not been previously published as pathogenic or benign to our knowledge

NM_000875.5(IGF1R):c.968C>G (p.Pro323Arg)

Genes: IGF1R (insulin like growth factor 1 receptor; plus strand), LOC126862245 (P300/CBP strongly-dependent group 1 enhancer GRCh37_chr15:99439536-99440735; plus strand). Cytogenetic location: 15q26.3.
Variant type: single nucleotide variant.
Coding change: c.968C>G on transcript NM_000875.5 (MANE Select); coding-DNA position 968, C replaced by G.
Protein change: p.Pro323Arg; replaces proline 323 with arginine.
Molecular consequence: missense variant.
Genome position (GRCh38, 1-based): chr15:98,896,771, C>G. VCF-style: chr15-98896771-C-G. GRCh37 (hg19) VCF-style: chr15-99440000-C-G.
Other names: c.968C>G, p.Pro323Arg (NM_001291858.2); short protein forms P323R.
Identifiers: ClinVar variation 1699684 (VCV001699684.2), dbSNP rs747468191, ClinGen allele CA393670602.